The following is an entry in ClinVar:

NM_001287491.2(TET3):c.2855A>G (p.Asn952Ser)

Gene: TET3 (tet methylcytosine dioxygenase 3; plus strand). Cytogenetic location: 2p13.1.
Variant type: single nucleotide variant.
Coding change: c.2855A>G on transcript NM_001287491.2 (MANE Select); coding-DNA position 2855, A replaced by G.
Protein change: p.Asn952Ser; replaces asparagine 952 with serine.
Molecular consequence: missense variant.
Genome position (GRCh38, 1-based): chr2:74,088,005, A>G. VCF-style: chr2-74088005-A-G. GRCh37 (hg19) VCF-style: chr2-74315132-A-G.
Other names: c.2576A>G, p.Asn859Ser (NM_001366022.1); short protein forms N859S, N952S.
Identifiers: ClinVar variation 1701381 (VCV001701381.31), dbSNP rs1573892799, ClinGen allele CA347311030.

ClinVar aggregate classification (germline): Uncertain significance (1 of 4 stars; one submission).

Allele frequency attached by ClinVar (database versions not stated): gnomAD exomes below 0.00001.
gnomAD v4.1: 1 of 1,562,760 alleles (0.000064%); no homozygotes.

Submission:

CeGaT Center for Human Genetics Tuebingen
Classification: Uncertain significance. Last evaluated: 2022-07-01. Review status: criteria provided, single submitter. Criteria: CeGaT Center For Human Genetics Tuebingen Variant Classification Criteria Version 2. Collection method: clinical testing. Allele origin: germline. Affected: yes. Observed: 1 variant allele.
Comment: TET3: PM2, PP2